The following is an entry in ClinVar:

ClinVar aggregate classification (germline): Likely benign (1 of 4 stars; one submission).

gnomAD v4.1: 49 of 1,614,110 alleles (0.003%); highest among the groups gnomAD compares: African/African-American, 0.06%; no homozygotes.

Submission:

CeGaT Center for Human Genetics Tuebingen
Classification: Likely benign. Last evaluated: 2025-09-01. Review status: criteria provided, single submitter. Criteria: CeGaT Center For Human Genetics Tuebingen Variant Classification Criteria Version 2. Collection method: clinical testing. Allele origin: germline. Affected: yes. Observed: 1 variant allele.
Comment: RFC1: BP4, BP7

NM_002913.5(RFC1):c.1347C>T (p.Val449=)

Gene: RFC1 (replication factor C subunit 1; minus strand). Cytogenetic location: 4p14.
Variant type: single nucleotide variant.
Coding change: c.1347C>T on transcript NM_002913.5 (MANE Select); coding-DNA position 1347, C replaced by T.
Protein change: p.Val449=; no amino-acid change (valine 449 retained).
Molecular consequence: synonymous variant.
Genome position (GRCh38, 1-based): chr4:39,312,788, G>A on the plus strand (C>T on the coding strand, the complement: RFC1 is on the minus strand). VCF-style: chr4-39312788-G-A. GRCh37 (hg19) VCF-style: chr4-39314408-G-A.
Other names: c.1347C>T, p.Val449= (NM_001204747.2); c.1269C>T, p.Val423= (NM_001363495.2, NM_001363496.2).
Identifiers: ClinVar variation 4281225 (VCV004281225.7).
Genomic context (GRCh38, chr4:39,312,788, plus strand): 5'-TGTTGAGAACAAAGCAGTACCCACCTTATCACTCTTGGACTGTCCACTATCACGACCCAT[G>A]ACAAGATAATTTGTTTTCTTGCTGACATTTCCTGTTACTTTTCCCCCATAACGTTCAATT-3'
Protein context (NP_002904.3, residues 439-459): GNVSKKTNYL[Val449=]MGRDSGQSKS